The following is an entry in ClinVar:

NM_020884.7(MYH7B):c.5572G>A (p.Ala1858Thr)

Gene: MYH7B (myosin heavy chain 7B; plus strand). Cytogenetic location: 20q11.22.
Variant type: single nucleotide variant.
Coding change: c.5572G>A on transcript NM_020884.7 (MANE Select); coding-DNA position 5572, G replaced by A.
Protein change: p.Ala1858Thr; replaces alanine 1858 with threonine.
Molecular consequence: missense variant.
Genome position (GRCh38, 1-based): chr20:35,001,341, G>A. VCF-style: chr20-35001341-G-A. GRCh37 (hg19) VCF-style: chr20-33589144-G-A.
Other names: short protein forms A1858T.
Identifiers: ClinVar variation 2789484 (VCV002789484.3), dbSNP rs757263483, ClinGen allele CA9828634.

ClinVar aggregate classification (germline): Uncertain significance (1 of 4 stars; one submission).

Allele frequency attached by ClinVar (database versions not stated): ExAC 0.00001; gnomAD 0.00001; gnomAD exomes 0.00001; TOPMed 0.00002.
gnomAD v4.1: 12 of 1,608,272 alleles (0.00075%); highest among the groups gnomAD compares: East Asian, 0.0067%; no homozygotes.

Submission:

Labcorp Genetics (formerly Invitae), Labcorp
Classification: Uncertain significance. Last evaluated: 2023-02-26. Review status: criteria provided, single submitter. Criteria: Invitae Variant Classification Sherloc (09022015). Collection method: clinical testing. Allele origin: germline.
Comment: In summary, the available evidence is currently insufficient to determine the role of this variant in disease. Therefore, it has been classified as a Variant of Uncertain Significance. Algorithms developed to predict the effect of missense changes on protein structure and function output the following: SIFT: "Not Available"; PolyPhen-2: "Benign"; Align-GVGD: "Not Available". The threonine amino acid residue is found in multiple mammalian species, which suggests that this missense change does not adversely affect protein function. This variant has not been reported in the literature in individuals affected with MYH7B-related conditions. The frequency data for this variant in the population databases is considered unreliable, as metrics indicate poor data quality at this position in the gnomAD database. This sequence change replaces alanine, which is neutral and non-polar, with threonine, which is neutral and polar, at codon 1900 of the MYH7B protein (p.Ala1900Thr).